The following is an entry in ClinVar:

NM_000517.6(HBA2):c.94A>G (p.Arg32Gly)

Genes: HBA2 (hemoglobin subunit alpha 2; plus strand), LOC106804612 (hemoglobin subunit alpha 2 recombination region; plus strand). Cytogenetic location: 16p13.3.
Variant type: single nucleotide variant.
Coding change: c.94A>G on transcript NM_000517.6 (MANE Select); coding-DNA position 94, A replaced by G.
Protein change: p.Arg32Gly; replaces arginine 32 with glycine.
Molecular consequence: missense variant.
Genome position (GRCh38, 1-based): chr16:173,006, A>G. VCF-style: chr16-173006-A-G. GRCh37 (hg19) VCF-style: chr16-223005-A-G.
Other names: short protein forms R32G.
Identifiers: ClinVar variation 4818679 (VCV004818679.1).

ClinVar aggregate classification (germline): Likely pathogenic (1 of 4 stars; one submission).

Conditions:
alpha Thalassemia. Also called: Alpha thalassemia spectrum. Identifiers: Orphanet 846, MedGen C0002312, MONDO:0011399, OMIM 604131.

Submission:

Natera, Inc.
Classification: Likely pathogenic for Alpha thalassemia. Last evaluated: 2025-04-18. Review status: criteria provided, single submitter. Criteria: Natera Variant Classification Schema (03/2026). Collection method: clinical testing. Allele origin: germline.
Comment: The c.94A>G variant in HBA2 is a missense variant predicted to cause substitution of arginine to glycine at amino acid 32. This variant is rare in the general population with a frequency below the threshold expected for the associated phenotype(s). This variant has been observed in one or more individuals affected with the associated recessive disease, as either homozygous or compound heterozygous with a second variant (PMID: 25943047). Functional studies show that this variant may disrupt protein function (PMID: 24274170). A different variant at the same position has been determined to be Pathogenic or Likely Pathogenic. Computational prediction algorithms indicate this variant is likely to affect gene or protein function. Given the available evidence, this variant is classified as Likely Pathogenic.

Literature cited by the submitters: PubMed 25943047; PubMed 24274170.